The following is an entry in ClinVar:

NM_201384.3(PLEC):c.6073C>T (p.Arg2025Trp)

Gene: PLEC (plectin; minus strand). Cytogenetic location: 8q24.3.
Variant type: single nucleotide variant.
Coding change: c.6073C>T on transcript NM_201384.3 (MANE Select); coding-DNA position 6073, C replaced by T.
Protein change: p.Arg2025Trp; replaces arginine 2025 with tryptophan.
Molecular consequence: missense variant. On other transcripts: intron variant (1).
Genome position (GRCh38, 1-based): chr8:143,923,856, G>A on the plus strand (C>T on the coding strand, the complement: PLEC is on the minus strand). VCF-style: chr8-143923856-G-A. GRCh37 (hg19) VCF-style: chr8-144998024-G-A.
Other names: c.6154C>T, p.Arg2052Trp (NM_000445.5); c.6031C>T, p.Arg2011Trp (NM_201378.4); c.6007C>T, p.Arg2003Trp (NM_201379.3); c.6484C>T, p.Arg2162Trp (NM_201380.4); c.5977C>T, p.Arg1993Trp (NM_201381.3); c.6073C>T, p.Arg2025Trp (NM_201382.4); c.6085C>T, p.Arg2029Trp (NM_201383.3); c.4126-1461C>T (NM_001410941.1); and 1 more; short protein forms R2003W, R2011W, R1993W, R2025W, R2052W, R2162W, R2029W.
Identifiers: ClinVar variation 2934148 (VCV002934148.5), dbSNP rs782279181, ClinGen allele CA4926118.

ClinVar aggregate classification (germline): Uncertain significance. Review status: criteria provided, multiple submitters, no conflicts (2 of 4 stars). 3 submissions from 3 submitters: Uncertain significance (3). Last evaluated 2026-03-09.

Conditions:
Inborn genetic diseases. Identifiers: MedGen C0950123, MeSH D030342.
PLEC-related disorder. Also called: PLEC-related condition; PLEC-related disorders.
Epidermolysis bullosa simplex, Ogna type (EBS5A). Also called: Pidermolysis bullosa simplex 5A, Ogna type; EPIDERMOLYSIS BULLOSA SIMPLEX 5A, OGNA TYPE. Identifiers: Orphanet 79401, MedGen C0432317, MONDO:0007555, OMIM 131950.
Autosomal recessive limb-girdle muscular dystrophy type 2Q (LGMDR17). Also called: MUSCULAR DYSTROPHY, LIMB-GIRDLE, AUTOSOMAL RECESSIVE 17. Identifiers: Orphanet 254361, MedGen C3150989, MONDO:0013390, OMIM 613723.
Epidermolysis bullosa simplex with nail dystrophy (EBS5D). Identifiers: MedGen C4225309, MONDO:0014661, OMIM 616487.
Epidermolysis bullosa simplex 5C, with pyloric atresia (EBS5C). Also called: PLEC-Related Epidermolysis Bullosa with Pyloric Atresia; Epidermolysis bullosa simplex with pyloric atresia; PLEC1-Related Epidermolysis Bullosa with Pyloric Atresia. Identifiers: Orphanet 158684, MedGen C2677349, MONDO:0012807, OMIM 612138.
Epidermolysis bullosa simplex 5B, with muscular dystrophy (EBS5B). Also called: Epidermolysis bullosa simplex with muscular dystrophy; EPIDERMOLYSIS BULLOSA SIMPLEX AND LIMB-GIRDLE MUSCULAR DYSTROPHY. Identifiers: Orphanet 257, MedGen C2931072, MONDO:0009181, OMIM 226670.

Allele frequency attached by ClinVar (database versions not stated): gnomAD exomes 0.00001; ExAC 0.00002.
gnomAD v4.1: 9 of 1,590,606 alleles (0.00057%); highest among the groups gnomAD compares: East Asian, 0.0023%; no homozygotes.

Submissions (3):

PreventionGenetics, part of Exact Sciences
Classification: Uncertain significance for PLEC-related condition. Last evaluated: 2026-03-09. Review status: criteria provided, single submitter. Criteria: ACMG Guidelines, 2015. Collection method: clinical testing. Allele origin: germline.
Comment: The PLEC c.6154C>T variant is predicted to result in the amino acid substitution p.Arg2052Trp. To our knowledge, this variant has not been reported in the literature. This variant is reported in 0.012% of alleles in individuals of East Asian descent in gnomAD. At this time, the clinical significance of this variant is uncertain due to the absence of conclusive functional and genetic evidence.

Ambry Genetics
Classification: Uncertain significance for Inborn genetic diseases. Last evaluated: 2025-12-22. Review status: criteria provided, single submitter. Criteria: Ambry Variant Classification Scheme 2023. Collection method: clinical testing. Allele origin: germline.

Labcorp Genetics (formerly Invitae), Labcorp
Classification: Uncertain significance for Autosomal recessive limb-girdle muscular dystrophy type 2Q; Epidermolysis bullosa simplex, Ogna type; Epidermolysis bullosa simplex with nail dystrophy; Epidermolysis bullosa simplex 5C, with pyloric atresia; Epidermolysis bullosa simplex 5B, with muscular dystrophy. Last evaluated: 2025-11-24. Review status: criteria provided, single submitter. Criteria: Invitae Variant Classification Sherloc (09022015). Collection method: clinical testing. Allele origin: germline.
Comment: This sequence change replaces arginine, which is basic and polar, with tryptophan, which is neutral and slightly polar, at codon 2052 of the PLEC protein (p.Arg2052Trp). The frequency data for this variant in the population databases is considered unreliable, as metrics indicate poor data quality at this position in the gnomAD database. This variant has not been reported in the literature in individuals affected with PLEC-related conditions. ClinVar contains an entry for this variant (Variation ID: 2934148). An algorithm developed to predict the effect of missense changes on protein structure and function (PolyPhen-2) suggests that this variant is likely to be tolerated. In summary, the available evidence is currently insufficient to determine the role of this variant in disease. Therefore, it has been classified as a Variant of Uncertain Significance.